The following is an entry in ClinVar:

ClinVar aggregate classification (germline): Pathogenic/Likely pathogenic. Review status: criteria provided, multiple submitters, no conflicts (2 of 4 stars). 5 submissions from 5 submitters: Pathogenic (4); Likely pathogenic (1). Last evaluated 2025-02-06.

Conditions:
ABCA4-related disorder. Also called: ABCA4-related condition; ABCA4-related disorders. Identifiers: MedGen CN239167.
Retinitis pigmentosa (RP). Identifiers: Orphanet 791, MedGen C0035334, MeSH D012174, MONDO:0019200, OMIM 268000. Inheritance: Autosomal dominant, autosomal recessive and X linked inheritance.
Severe early-childhood-onset retinal dystrophy (STGD1). Also called: Stargardt macular dystrophy; Juvenile onset macular degeneration; Stargardt disease 1; MACULAR DYSTROPHY WITH FLECKS, TYPE 1; STGD. Identifiers: Orphanet 364055, Orphanet 827, MedGen C1855465, MeSH D000080362, MONDO:0009549, OMIM 248200.

Allele frequency attached by ClinVar (database versions not stated): gnomAD exomes below 0.00001.
gnomAD v4.1: 5 of 1,614,066 alleles (0.00031%); highest among the groups gnomAD compares: South Asian, 0.0044%; no homozygotes.

Submissions (5):

Women's Health and Genetics/Laboratory Corporation of America, LabCorp
Classification: Pathogenic for Retinitis pigmentosa. Last evaluated: 2025-02-06. Review status: criteria provided, single submitter. Criteria: LabCorp Variant Classification Summary - May 2015. Collection method: clinical testing. Allele origin: germline.
Comment: Variant summary: ABCA4 c.93G>A (p.Trp31X) results in a premature termination codon, predicted to cause a truncation of the encoded protein or absence of the protein due to nonsense mediated decay, which are commonly known mechanisms for disease. The variant allele was found at a frequency of 4e-06 in 251250 control chromosomes. c.93G>A has been reported in the literature in at least one homozygous individual affected with early-onset cone-rod dystrophy (e.g. Todorova_2017). To our knowledge, no experimental evidence demonstrating an impact on protein function has been reported. ClinVar contains an entry for this variant (Variation ID: 861376). The following publication has been ascertained in the context of this evaluation (PMID: 28147405). Based on the evidence outlined above, the variant was classified as pathogenic.

Revvity Omics, Revvity
Classification: Pathogenic. Last evaluated: 2023-08-08. Review status: criteria provided, single submitter. Criteria: ACMG Guidelines, 2015. Collection method: clinical testing. Allele origin: germline.

Labcorp Genetics (formerly Invitae), Labcorp
Classification: Pathogenic. Last evaluated: 2022-07-25. Review status: criteria provided, single submitter. Criteria: Invitae Variant Classification Sherloc (09022015). Collection method: clinical testing. Allele origin: germline.
Comment: For these reasons, this variant has been classified as Pathogenic. ClinVar contains an entry for this variant (Variation ID: 861376). This premature translational stop signal has been observed in individuals with ABCA4-related retinal dystrophy (PMID: 28147405, 28327576, 28947085). This variant is present in population databases (no rsID available, gnomAD 0.003%). This sequence change creates a premature translational stop signal (p.Trp31*) in the ABCA4 gene. It is expected to result in an absent or disrupted protein product. Loss-of-function variants in ABCA4 are known to be pathogenic (PMID: 10958761, 24938718, 25312043, 26780318).

Blueprint Genetics
Classification: Pathogenic for ABCA4-related disorders. Last evaluated: 2020-06-23. Review status: criteria provided, single submitter. Criteria: ACMG Guidelines, 2015. Collection method: clinical testing. Allele origin: germline. Affected: yes. Observed: 2 variant alleles.

Genetics and Genomic Medicine Centre, NeuroGen Healthcare, NeuroGen Healthcare
Classification: Likely pathogenic for Severe early-childhood-onset retinal dystrophy. Last evaluated: 2020-03-10. Review status: criteria provided, single submitter. Criteria: Submitter's publication. Collection method: clinical testing. Allele origin: unknown. Affected: no.

Literature cited by the submitters: PubMed 28147405 (cited by Women's Health and Genetics/Laboratory Corporation of America, LabCorp and Labcorp Genetics (formerly Invitae), Labcorp); PubMed 28327576 (cited by Labcorp Genetics (formerly Invitae), Labcorp); PubMed 28947085 (cited by Labcorp Genetics (formerly Invitae), Labcorp); PubMed 10958761 (cited by Labcorp Genetics (formerly Invitae), Labcorp); PubMed 24938718 (cited by Labcorp Genetics (formerly Invitae), Labcorp); PubMed 25312043 (cited by Labcorp Genetics (formerly Invitae), Labcorp); PubMed 26780318 (cited by Labcorp Genetics (formerly Invitae), Labcorp).

NM_000350.3(ABCA4):c.93G>A (p.Trp31Ter)

Gene: ABCA4 (ATP binding cassette subfamily A member 4; minus strand). Cytogenetic location: 1p22.1.
Variant type: single nucleotide variant.
Coding change: c.93G>A on transcript NM_000350.3 (MANE Select); coding-DNA position 93, G replaced by A.
Protein change: p.Trp31Ter; replaces tryptophan 31 with a stop codon.
Molecular consequence: nonsense.
Genome position (GRCh38, 1-based): chr1:94,113,040, C>T on the plus strand (G>A on the coding strand, the complement: ABCA4 is on the minus strand). VCF-style: chr1-94113040-C-T. GRCh37 (hg19) VCF-style: chr1-94578596-C-T.
Other names: c.93G>A, p.Trp31Ter (NM_001425324.1); short protein forms W31*.
Identifiers: ClinVar variation 861376 (VCV000861376.17), dbSNP rs1191816747, ClinGen allele CA341286738.